The following is an entry in ClinVar:

ClinVar aggregate classification (germline): Conflicting classifications of pathogenicity. Review status: criteria provided, conflicting classifications (1 of 4 stars). 2 submissions from 2 submitters: Uncertain significance (1); Likely benign (1). Last evaluated 2025-04-23.

Conditions:
Hereditary cancer-predisposing syndrome. Also called: Tumor predisposition; Neoplastic Syndromes, Hereditary; Hereditary neoplastic syndrome; Hereditary Cancer Syndrome. Identifiers: Orphanet 140162, MedGen C0027672, MeSH D009386, MONDO:0015356.
Gastrointestinal stromal tumor. Also called: Gastrointestinal stromal tumor, somatic; Gastrointestinal stroma tumor. Identifiers: Orphanet 44890, MedGen C0238198, MeSH D046152, MONDO:0011719, OMIM 606764, HP:0100723.

gnomAD v4.1: 1 of 1,612,212 alleles (0.000062%); highest among the groups gnomAD compares: Non-Finnish European, 0.000085%; no homozygotes.

Submissions (2):

Ambry Genetics
Classification: Likely benign for Hereditary cancer-predisposing syndrome. Last evaluated: 2025-04-23. Review status: criteria provided, single submitter. Criteria: Ambry Variant Classification Scheme 2023. Collection method: clinical testing. Allele origin: germline.

Labcorp Genetics (formerly Invitae), Labcorp
Classification: Uncertain significance for Gastrointestinal stromal tumor. Last evaluated: 2021-11-05. Review status: criteria provided, single submitter. Criteria: Invitae Variant Classification Sherloc (09022015). Collection method: clinical testing. Allele origin: germline.
Comment: In summary, the available evidence is currently insufficient to determine the role of this variant in disease. Therefore, it has been classified as a Variant of Uncertain Significance. Algorithms developed to predict the effect of missense changes on protein structure and function (SIFT, PolyPhen-2, Align-GVGD) all suggest that this variant is likely to be tolerated. ClinVar contains an entry for this variant (Variation ID: 1055787). This variant has not been reported in the literature in individuals affected with PDGFRA-related conditions. This variant is not present in population databases (gnomAD no frequency). This sequence change replaces isoleucine, which is neutral and non-polar, with leucine, which is neutral and non-polar, at codon 394 of the PDGFRA protein (p.Ile394Leu).

NM_006206.6(PDGFRA):c.1180A>C (p.Ile394Leu)

Gene: PDGFRA (platelet derived growth factor receptor alpha; plus strand). Cytogenetic location: 4q12.
Variant type: single nucleotide variant.
Coding change: c.1180A>C on transcript NM_006206.6 (MANE Select); coding-DNA position 1180, A replaced by C.
Protein change: p.Ile394Leu; replaces isoleucine 394 with leucine.
Molecular consequence: missense variant.
Genome position (GRCh38, 1-based): chr4:54,270,691, A>C. VCF-style: chr4-54270691-A-C. GRCh37 (hg19) VCF-style: chr4-55136858-A-C.
Other names: c.1180A>C, p.Ile394Leu (NM_001347827.2, NM_001347829.2); c.1255A>C, p.Ile419Leu (NM_001347828.2); c.1219A>C, p.Ile407Leu (NM_001347830.2); c.1180A>C (NM_006206.4); short protein forms I394L, I407L, I419L.
Identifiers: ClinVar variation 1055787 (VCV001055787.15), dbSNP rs1723295850, ClinGen allele CA356891991.